The following is an entry in ClinVar:

NM_020843.4(SCAPER):c.3434C>G (p.Ala1145Gly)

Gene: SCAPER (S-phase cyclin A associated protein in the ER; minus strand). Cytogenetic location: 15q24.3.
Variant type: single nucleotide variant.
Coding change: c.3434C>G on transcript NM_020843.4 (MANE Select); coding-DNA position 3434, C replaced by G.
Protein change: p.Ala1145Gly; replaces alanine 1145 with glycine.
Molecular consequence: missense variant. On other transcripts: non-coding transcript variant (1).
Genome position (GRCh38, 1-based): chr15:76,404,557, G>C on the plus strand (C>G on the coding strand, the complement: SCAPER is on the minus strand). VCF-style: chr15-76404557-G-C. GRCh37 (hg19) VCF-style: chr15-76696898-G-C.
Other names: c.2696C>G, p.Ala899Gly (NM_001145923.2); c.3452C>G, p.Ala1151Gly (NM_001353009.2); c.3032C>G, p.Ala1011Gly (NM_001353010.2, NM_001353012.2); c.3050C>G, p.Ala1017Gly (NM_001353011.2); short protein forms A1017G, A1151G, A899G, A1011G, A1145G.
Identifiers: ClinVar variation 4987272 (VCV004987272.1).

ClinVar aggregate classification (germline): Uncertain significance (1 of 4 stars; one submission).

Conditions:
SCAPER-related disorder. Also called: SCAPER-related condition.

gnomAD v4.1: 13 of 1,613,262 alleles (0.00081%); highest among the groups gnomAD compares: Non-Finnish European, 0.00017%; no homozygotes.

Submission:

PreventionGenetics, part of Exact Sciences
Classification: Uncertain significance for SCAPER-related condition. Last evaluated: 2025-07-08. Review status: criteria provided, single submitter. Criteria: ACMG Guidelines, 2015. Collection method: clinical testing. Allele origin: germline.
Comment: The SCAPER c.3452C>G variant is predicted to result in the amino acid substitution p.Ala1151Gly. To our knowledge, this variant has not been reported in the literature. This variant is reported in 0.016% of alleles in individuals of European (Finnish) descent in gnomAD. At this time, the clinical significance of this variant is uncertain due to the absence of conclusive functional and genetic evidence.